The following is an entry in ClinVar:

NM_002292.4(LAMB2):c.119C>T (p.Pro40Leu)

Gene: LAMB2 (laminin subunit beta 2; minus strand). Cytogenetic location: 3p21.31.
Variant type: single nucleotide variant.
Coding change: c.119C>T on transcript NM_002292.4 (MANE Select); coding-DNA position 119, C replaced by T.
Protein change: p.Pro40Leu; replaces proline 40 with leucine.
Molecular consequence: missense variant.
Genome position (GRCh38, 1-based): chr3:49,132,621, G>A on the plus strand (C>T on the coding strand, the complement: LAMB2 is on the minus strand). VCF-style: chr3-49132621-G-A. GRCh37 (hg19) VCF-style: chr3-49170054-G-A.
Other names: short protein forms P40L.
Identifiers: ClinVar variation 3768730 (VCV003768730.1).

ClinVar aggregate classification (germline): Uncertain significance (1 of 4 stars; one submission).

gnomAD v4.1: 27 of 1,613,980 alleles (0.0017%); highest among the groups gnomAD compares: South Asian, 0.03%; no homozygotes.

Submission:

Women's Health and Genetics/Laboratory Corporation of America, LabCorp
Classification: Uncertain significance. Last evaluated: 2025-02-05. Review status: criteria provided, single submitter. Criteria: LabCorp Variant Classification Summary - May 2015. Collection method: clinical testing. Allele origin: germline.
Comment: Variant summary: LAMB2 c.119C>T (p.Pro40Leu) results in a non-conservative amino acid change in the encoded protein sequence. Three of five in-silico tools predict a benign effect of the variant on protein function. The variant allele was found at a frequency of 4e-05 in 250178 control chromosomes. This frequency is not significantly higher than estimated for a pathogenic variant in LAMB2 causing Pierson Syndrome, allowing no conclusion about variant significance. To our knowledge, no occurrence of c.119C>T in individuals affected with Pierson Syndrome and no experimental evidence demonstrating its impact on protein function have been reported. No submitters have cited clinical-significance assessments for this variant to ClinVar. Based on the evidence outlined above, the variant was classified as uncertain significance.